The following is an entry in ClinVar:

ClinVar aggregate classification (germline): Uncertain significance (1 of 4 stars; one submission).

Conditions:
Spondyloepimetaphyseal dysplasia, PAPSS2 type. Also called: SEMD, PAKISTANI TYPE; BRACHYOLMIA TYPE 4 WITH MILD EPIPHYSEAL AND METAPHYSEAL CHANGES; SPONDYLODYSPLASIA AND PREMATURE PUBARCHE. Identifiers: Orphanet 93282, MedGen C2748516, MONDO:0019666, OMIM 612847.

Allele frequency attached by ClinVar (database versions not stated): gnomAD 0.00040 and 0.00043; TOPMed 0.00048; gnomAD exomes 0.00004 and 0.00010; ExAC 0.00012; 1000 Genomes Project 30x 0.00016; 1000 Genomes Project 0.00020; ESP Exome Variant Server 0.00031.
gnomAD v4.1: 133 of 1,614,126 alleles (0.0082%); highest among the groups gnomAD compares: African/African-American, 0.15%; no homozygotes.

Submission:

Labcorp Genetics (formerly Invitae), Labcorp
Classification: Uncertain significance for Spondyloepimetaphyseal dysplasia, PAPSS2 type. Last evaluated: 2022-07-01. Review status: criteria provided, single submitter. Criteria: Invitae Variant Classification Sherloc (09022015). Collection method: clinical testing. Allele origin: germline.
Comment: This sequence change falls in intron 11 of the PAPSS2 gene. It does not directly change the encoded amino acid sequence of the PAPSS2 protein. It affects a nucleotide within the consensus splice site. This variant is present in population databases (rs375537841, gnomAD 0.1%). This variant has not been reported in the literature in individuals affected with PAPSS2-related conditions. ClinVar contains an entry for this variant (Variation ID: 1524553). Variants that disrupt the consensus splice site are a relatively common cause of aberrant splicing (PMID: 17576681, 9536098). Algorithms developed to predict the effect of sequence changes on RNA splicing suggest that this variant is not likely to affect RNA splicing. In summary, the available evidence is currently insufficient to determine the role of this variant in disease. Therefore, it has been classified as a Variant of Uncertain Significance.

Literature cited by the submitters: PubMed 17576681; PubMed 9536098.

NM_001015880.2(PAPSS2):c.1491+3G>A

Gene: PAPSS2 (3'-phosphoadenosine 5'-phosphosulfate synthase 2; plus strand). Cytogenetic location: 10q23.31.
Variant type: single nucleotide variant.
Coding change: c.1491+3G>A on transcript NM_001015880.2 (MANE Select); 3 bases into the intron after coding-DNA position 1491, G replaced by A.
Molecular consequence: intron variant.
Genome position (GRCh38, 1-based): chr10:87,743,644, G>A. VCF-style: chr10-87743644-G-A. GRCh37 (hg19) VCF-style: chr10-89503401-G-A.
Other names: c.1476+3G>A (NM_004670.4).
Identifiers: ClinVar variation 1524553 (VCV001524553.3), dbSNP rs375537841, ClinGen allele CA5589760.